The following is an entry in ClinVar:

ClinVar aggregate classification (germline): Likely pathogenic (1 of 4 stars; one submission).

Conditions:
Dilated cardiomyopathy 1G (CMD1G). Identifiers: Orphanet 154, MedGen C1858763, MONDO:0011400, OMIM 604145.
Autosomal recessive limb-girdle muscular dystrophy type 2J (LGMDR10). Also called: Limb-girdle muscular dystrophy, type 2J; MUSCULAR DYSTROPHY, LIMB-GIRDLE, AUTOSOMAL RECESSIVE 10. Identifiers: Orphanet 140922, MedGen C1837342, MONDO:0012127, OMIM 608807.

Submission:

Labcorp Genetics (formerly Invitae), Labcorp
Classification: Likely pathogenic for Dilated cardiomyopathy 1G; Autosomal recessive limb-girdle muscular dystrophy type 2J. Last evaluated: 2024-10-18. Review status: criteria provided, single submitter. Criteria: Invitae Variant Classification Sherloc (09022015). Collection method: clinical testing. Allele origin: germline.
Comment: This sequence change creates a premature translational stop signal (p.Ser9056Argfs*4) in the TTN gene. While this is not anticipated to result in nonsense mediated decay, it is expected to create a truncated TTN protein. This variant is not present in population databases (gnomAD no frequency). This variant has not been reported in the literature in individuals affected with TTN-related conditions. ClinVar contains an entry for this variant (Variation ID: 998921). This variant is located in the I band of TTN (PMID: 25589632). Truncating variants in this region have been reported in individuals affected with autosomal recessive centronuclear myopathy (PMID: 23975875, internal data). Truncating variants in this region have also been identified in individuals affected with autosomal dominant dilated cardiomyopathy and/or cardio-related conditions (PMID: 27869827, 32964742, internal data). In summary, the currently available evidence indicates that the variant is pathogenic, but additional data are needed to prove that conclusively. Therefore, this variant has been classified as Likely Pathogenic.

Literature cited by the submitters: PubMed 25589632; PubMed 23975875; PubMed 27869827; PubMed 32964742.

NM_001267550.2(TTN):c.27168del (p.Ser9056fs)

Gene: TTN (titin; minus strand). Cytogenetic location: 2q31.2.
Variant type: Deletion.
Coding change: c.27168del on transcript NM_001267550.2 (MANE Select); coding-DNA position 27168, one base deleted (C; older notation c.27168delC).
Protein change: p.Ser9056fs; shifts the reading frame from serine 9056.
Molecular consequence: frameshift variant. On other transcripts: intron variant (3).
Genome position (GRCh38, 1-based): chr2:178,712,857, G deleted on the plus strand (C on the coding strand, the reverse complement: TTN is on the minus strand). VCF-style (leftmost placement, unchanged base first): chr2-178712856-TG-T. GRCh37 (hg19) VCF-style: chr2-179577583-TG-T.
Other names: c.26217del, p.Ser8739fs (NM_001256850.1); c.23436del, p.Ser7812fs (NM_133378.4); c.13282+25225del (NM_003319.4); c.13858+25225del (NM_133437.4); c.13657+25225del (NM_133432.3); short protein forms S7812fs, S8739fs, S9056fs.
Identifiers: ClinVar variation 998921 (VCV000998921.9), dbSNP rs2076867354, ClinGen allele CA1310590040.